The following is an entry in ClinVar:

NM_000198.4(HSD3B2):c.9G>A (p.Trp3Ter)

Genes: HSD3B2 (hydroxy-delta-5-steroid dehydrogenase, 3 beta- and steroid delta-isomerase 2; plus strand), LOC109029530 (HSD3B2 5' regulatory region; plus strand). Cytogenetic location: 1p12.
Variant type: single nucleotide variant.
Coding change: c.9G>A on transcript NM_000198.4 (MANE Select); coding-DNA position 9, G replaced by A.
Protein change: p.Trp3Ter; replaces tryptophan 3 with a stop codon.
Molecular consequence: nonsense.
Genome position (GRCh38, 1-based): chr1:119,415,428, G>A. VCF-style: chr1-119415428-G-A. GRCh37 (hg19) VCF-style: chr1-119958051-G-A.
Other names: c.9G>A, p.Trp3Ter (NM_001166120.2); short protein forms W3*.
Identifiers: ClinVar variation 946461 (VCV000946461.11), dbSNP rs765335418, ClinGen allele CA341394018.

ClinVar aggregate classification (germline): Pathogenic. Review status: criteria provided, multiple submitters, no conflicts (2 of 4 stars). 2 submissions from 2 submitters: Pathogenic (2). Last evaluated 2021-07-22.

Conditions:
3 beta-Hydroxysteroid dehydrogenase deficiency. Also called: 3b-hydroxysteroid dehydrogenase deficiency; ADRENAL HYPERPLASIA, CONGENITAL, DUE TO 3-BETA-HYDROXYSTEROID DEHYDROGENASE 2 DEFICIENCY; Congenital adrenal hyperplasia due to 3-beta-hydroxysteroid dehydrogenase deficiency; 3-BETA-HSD DEFICIENCY; ADRENAL HYPERPLASIA II. Identifiers: Orphanet 90791, MedGen C0342471, MeSH C538236, MONDO:0008727, OMIM 201810. Disease mechanism: loss of function.

Submissions (2):

Genome-Nilou Lab
Classification: Pathogenic for 3 beta-Hydroxysteroid dehydrogenase deficiency. Last evaluated: 2021-07-22. Review status: criteria provided, single submitter. Criteria: ACMG Guidelines, 2015. Collection method: clinical testing. Allele origin: germline. Affected: no.

Labcorp Genetics (formerly Invitae), Labcorp
Classification: Pathogenic. Last evaluated: 2019-07-29. Review status: criteria provided, single submitter. Criteria: Invitae Variant Classification Sherloc (09022015). Collection method: clinical testing. Allele origin: germline.
Comment: This sequence change creates a premature translational stop signal (p.Trp3*) in the HSD3B2 gene. It is expected to result in an absent or disrupted protein product. For these reasons, this variant has been classified as Pathogenic. Loss-of-function variants in HSD3B2 are known to be pathogenic (PMID: 1196451). This variant has not been reported in the literature in individuals with HSD3B2-related conditions. This variant is not present in population databases (ExAC no frequency).

Literature cited by the submitters: PubMed 1196451 (cited by Labcorp Genetics (formerly Invitae), Labcorp).